The following is an entry in ClinVar:

ClinVar aggregate classification (germline): Uncertain significance (1 of 4 stars; one submission).

gnomAD v4.1: 6 of 1,614,164 alleles (0.00037%); highest among the groups gnomAD compares: South Asian, 0.0022%; no homozygotes.

Submission:

Labcorp Genetics (formerly Invitae), Labcorp
Classification: Uncertain significance. Last evaluated: 2025-03-10. Review status: criteria provided, single submitter. Criteria: Invitae Variant Classification Sherloc (09022015). Collection method: clinical testing. Allele origin: germline.
Comment: This sequence change replaces arginine, which is basic and polar, with histidine, which is basic and polar, at codon 326 of the COL2A1 protein (p.Arg326His). This variant is not present in population databases (gnomAD no frequency). This variant has not been reported in the literature in individuals affected with COL2A1-related conditions. ClinVar contains an entry for this variant (Variation ID: 2840978). Invitae Evidence Modeling of protein sequence and biophysical properties (such as structural, functional, and spatial information, amino acid conservation, physicochemical variation, residue mobility, and thermodynamic stability) has been performed for this missense variant. However, the output from this modeling did not meet the statistical confidence thresholds required to predict the impact of this variant on COL2A1 protein function. In summary, the available evidence is currently insufficient to determine the role of this variant in disease. Therefore, it has been classified as a Variant of Uncertain Significance.

NM_001844.5(COL2A1):c.977G>A (p.Arg326His)

Gene: COL2A1 (collagen type II alpha 1 chain; minus strand). Cytogenetic location: 12q13.11.
Variant type: single nucleotide variant.
Coding change: c.977G>A on transcript NM_001844.5 (MANE Select); coding-DNA position 977, G replaced by A.
Protein change: p.Arg326His; replaces arginine 326 with histidine.
Molecular consequence: missense variant.
Genome position (GRCh38, 1-based): chr12:47,992,924, C>T on the plus strand (G>A on the coding strand, the complement: COL2A1 is on the minus strand). VCF-style: chr12-47992924-C-T. GRCh37 (hg19) VCF-style: chr12-48386707-C-T.
Other names: c.770G>A, p.Arg257His (NM_033150.3); short protein forms R326H, R257H.
Identifiers: ClinVar variation 2840978 (VCV002840978.3), dbSNP rs2540165670, ClinGen allele CA384555694.